The following is an entry in ClinVar:

ClinVar aggregate classification (germline): Uncertain significance. Review status: criteria provided, multiple submitters, no conflicts (2 of 4 stars). 2 submissions from 2 submitters: Uncertain significance (2). Last evaluated 2024-11-20.

gnomAD v4.1: 1 of 1,614,234 alleles (0.000062%); highest among the groups gnomAD compares: Non-Finnish European, 0.000085%; no homozygotes.

Submissions (2):

Women's Health and Genetics/Laboratory Corporation of America, LabCorp
Classification: Uncertain significance. Last evaluated: 2024-11-20. Review status: criteria provided, single submitter. Criteria: LabCorp Variant Classification Summary - May 2015. Collection method: clinical testing. Allele origin: germline.
Comment: Variant summary: NSUN2 c.1447G>C (p.Glu483Gln) results in a conservative amino acid change in the encoded protein sequence. Five of five in-silico tools predict a benign effect of the variant on protein function. The frequency data for this variant in gnomAD is considered unreliable, as metrics indicate poor data quality at this position. To our knowledge, no occurrence of c.1447G>C in individuals affected with Intellectual Disability and no experimental evidence demonstrating its impact on protein function have been reported. No submitters have cited clinical-significance assessments for this variant to ClinVar. Based on the evidence outlined above, the variant was classified as uncertain significance.

Labcorp Genetics (formerly Invitae), Labcorp
Classification: Uncertain significance. Last evaluated: 2024-03-12. Review status: criteria provided, single submitter. Criteria: Invitae Variant Classification Sherloc (09022015). Collection method: clinical testing. Allele origin: germline.
Comment: This sequence change replaces glutamic acid, which is acidic and polar, with glutamine, which is neutral and polar, at codon 483 of the NSUN2 protein (p.Glu483Gln). This variant is not present in population databases (gnomAD no frequency). This variant has not been reported in the literature in individuals affected with NSUN2-related conditions. An algorithm developed to predict the effect of missense changes on protein structure and function (PolyPhen-2) suggests that this variant is likely to be tolerated. In summary, the available evidence is currently insufficient to determine the role of this variant in disease. Therefore, it has been classified as a Variant of Uncertain Significance.

NM_017755.6(NSUN2):c.1447G>C (p.Glu483Gln)

Gene: NSUN2 (NOP2/Sun RNA methyltransferase 2; minus strand). Cytogenetic location: 5p15.31.
Variant type: single nucleotide variant.
Coding change: c.1447G>C on transcript NM_017755.6 (MANE Select); coding-DNA position 1447, G replaced by C.
Protein change: p.Glu483Gln; replaces glutamic acid 483 with glutamine.
Molecular consequence: missense variant. On other transcripts: non-coding transcript variant (1).
Genome position (GRCh38, 1-based): chr5:6,607,261, C>G on the plus strand (G>C on the coding strand, the complement: NSUN2 is on the minus strand). VCF-style: chr5-6607261-C-G. GRCh37 (hg19) VCF-style: chr5-6607374-C-G.
Other names: c.1342G>C, p.Glu448Gln (NM_001193455.2); short protein forms E448Q, E483Q.
Identifiers: ClinVar variation 3629954 (VCV003629954.3).